The following is an entry in ClinVar:

ClinVar aggregate classification (germline): Uncertain significance (1 of 4 stars; one submission).

Allele frequency attached by ClinVar (database versions not stated): gnomAD 0.00001.
gnomAD v4.1: 1 of 1,551,974 alleles (0.000064%); highest among the groups gnomAD compares: Non-Finnish European, 0.000087%; no homozygotes.

Submission:

Labcorp Genetics (formerly Invitae), Labcorp
Classification: Uncertain significance. Last evaluated: 2022-02-10. Review status: criteria provided, single submitter. Criteria: Invitae Variant Classification Sherloc (09022015). Collection method: clinical testing. Allele origin: germline.
Comment: This sequence change replaces tyrosine, which is neutral and polar, with cysteine, which is neutral and slightly polar, at codon 106 of the LOXHD1 protein (p.Tyr106Cys). This variant is not present in population databases (gnomAD no frequency). This variant has not been reported in the literature in individuals affected with LOXHD1-related conditions. Algorithms developed to predict the effect of missense changes on protein structure and function (SIFT, PolyPhen-2, Align-GVGD) all suggest that this variant is likely to be tolerated. In summary, the available evidence is currently insufficient to determine the role of this variant in disease. Therefore, it has been classified as a Variant of Uncertain Significance.

NM_001384474.1(LOXHD1):c.317A>G (p.Tyr106Cys)

Gene: LOXHD1 (lipoxygenase homology PLAT domains 1; minus strand). Cytogenetic location: 18q21.1.
Variant type: single nucleotide variant.
Coding change: c.317A>G on transcript NM_001384474.1 (MANE Select); coding-DNA position 317, A replaced by G.
Protein change: p.Tyr106Cys; replaces tyrosine 106 with cysteine.
Molecular consequence: missense variant.
Genome position (GRCh38, 1-based): chr18:46,641,965, T>C on the plus strand (A>G on the coding strand, the complement: LOXHD1 is on the minus strand). VCF-style: chr18-46641965-T-C. GRCh37 (hg19) VCF-style: chr18-44221928-T-C.
Other names: c.317A>G, p.Tyr106Cys (NM_144612.7); short protein forms Y106C.
Identifiers: ClinVar variation 1979571 (VCV001979571.1), dbSNP rs975862127, ClinGen allele CA299810654.